The following is an entry in ClinVar:

ClinVar aggregate classification (germline): Uncertain significance. Review status: criteria provided, multiple submitters, no conflicts (2 of 4 stars). 2 submissions from 2 submitters: Uncertain significance (2). Last evaluated 2025-12-15.

Conditions:
Hereditary cancer-predisposing syndrome. Also called: Tumor predisposition; Hereditary neoplastic syndrome; Neoplastic Syndromes, Hereditary; Hereditary Cancer Syndrome. Identifiers: Orphanet 140162, MedGen C0027672, MeSH D009386, MONDO:0015356.

Allele frequency attached by ClinVar (database versions not stated): gnomAD exomes below 0.00001; gnomAD 0.00001; TOPMed 0.00001.

Submissions (2):

Labcorp Genetics (formerly Invitae), Labcorp
Classification: Uncertain significance. Last evaluated: 2025-12-15. Review status: criteria provided, single submitter. Criteria: Invitae Variant Classification Sherloc (09022015). Collection method: clinical testing. Allele origin: germline.
Comment: This sequence change replaces leucine, which is neutral and non-polar, with phenylalanine, which is neutral and non-polar, at codon 51 of the HOXB13 protein (p.Leu51Phe). This variant is not present in population databases (gnomAD no frequency). This variant has not been reported in the literature in individuals affected with HOXB13-related conditions. ClinVar contains an entry for this variant (Variation ID: 819442). An algorithm developed to predict the effect of missense changes on protein structure and function (PolyPhen-2) suggests that this variant is likely to be disruptive. In summary, the available evidence is currently insufficient to determine the role of this variant in disease. Therefore, it has been classified as a Variant of Uncertain Significance.

Ambry Genetics
Classification: Uncertain significance for Hereditary cancer-predisposing syndrome. Last evaluated: 2025-10-28. Review status: criteria provided, single submitter. Criteria: Ambry Variant Classification Scheme 2023. Collection method: clinical testing. Allele origin: germline.
Comment: The p.L51F variant (also known as c.153G>T), located in coding exon 1 of the HOXB13 gene, results from a G to T substitution at nucleotide position 153. The leucine at codon 51 is replaced by phenylalanine, an amino acid with highly similar properties. This amino acid position is not well conserved in available vertebrate species. In addition, this alteration is predicted to be tolerated by in silico analysis. Since supporting evidence is limited at this time, the clinical significance of this alteration remains unclear.

NM_006361.6(HOXB13):c.153G>T (p.Leu51Phe)

Gene: HOXB13 (homeobox B13; minus strand). Cytogenetic location: 17q21.32.
Variant type: single nucleotide variant.
Coding change: c.153G>T on transcript NM_006361.6 (MANE Select); coding-DNA position 153, G replaced by T.
Protein change: p.Leu51Phe; replaces leucine 51 with phenylalanine.
Molecular consequence: missense variant.
Genome position (GRCh38, 1-based): chr17:48,728,441, C>A on the plus strand (G>T on the coding strand, the complement: HOXB13 is on the minus strand). VCF-style: chr17-48728441-C-A. GRCh37 (hg19) VCF-style: chr17-46805803-C-A.
Other names: short protein forms L51F.
Identifiers: ClinVar variation 819442 (VCV000819442.13), dbSNP rs1259458411, ClinGen allele CA400109089.